The following is an entry in ClinVar:

NM_001379500.1(COL18A1):c.3107G>A (p.Arg1036His)

Genes: COL18A1 (collagen type XVIII alpha 1 chain; plus strand), SLC19A1 (solute carrier family 19 member 1; minus strand). Cytogenetic location: 21q22.3.
Variant type: single nucleotide variant.
Coding change: c.3107G>A on transcript NM_001379500.1 (MANE Select); coding-DNA position 3107, G replaced by A.
Protein change: p.Arg1036His; replaces arginine 1036 with histidine.
Molecular consequence: missense variant.
Genome position (GRCh38, 1-based): chr21:45,505,857, G>A. VCF-style: chr21-45505857-G-A. GRCh37 (hg19) VCF-style: chr21-46925771-G-A.
Other names: c.3638G>A (NM_030582.3); c.3638G>A, p.Arg1213His (NM_030582.4); c.4343G>A, p.Arg1448His (NM_130444.3); short protein forms R1036H, R1213H, R1448H.
Identifiers: ClinVar variation 1429543 (VCV001429543.7), dbSNP rs199718927, ClinGen allele CA10067715.

ClinVar aggregate classification (germline): Uncertain significance. Review status: criteria provided, multiple submitters, no conflicts (2 of 4 stars). 3 submissions from 3 submitters: Uncertain significance (2). 1 of the submissions does not count toward it. Last evaluated 2026-04-01.

Conditions:
COL18A1-related disorder. Also called: COL18A1-related disorders; COL18A1-related condition.

Allele frequency attached by ClinVar (database versions not stated): gnomAD exomes 0.00005 and 0.00010; gnomAD 0.00007 and 0.00008; ExAC 0.00008; ESP Exome Variant Server 0.00008; TOPMed 0.00014; 1000 Genomes Project 30x 0.00016.
gnomAD v4.1: 90 of 1,592,740 alleles (0.0057%); highest among the groups gnomAD compares: East Asian, 0.03%; no homozygotes.

Submissions (3):

CeGaT Center for Human Genetics Tuebingen
Classification: Uncertain significance. Last evaluated: 2026-04-01. Review status: criteria provided, single submitter. Criteria: CeGaT Center For Human Genetics Tuebingen Variant Classification Criteria Version 2. Collection method: clinical testing. Allele origin: germline. Affected: yes. Observed: 1 variant allele.
Comment: COL18A1: PM2

Labcorp Genetics (formerly Invitae), Labcorp
Classification: Uncertain significance. Last evaluated: 2024-11-13. Review status: criteria provided, single submitter. Criteria: Invitae Variant Classification Sherloc (09022015). Collection method: clinical testing. Allele origin: germline.
Comment: This sequence change replaces arginine, which is basic and polar, with histidine, which is basic and polar, at codon 1033 of the COL18A1 protein (p.Arg1033His). This variant is present in population databases (rs199718927, gnomAD 0.03%). This variant has not been reported in the literature in individuals affected with COL18A1-related conditions. ClinVar contains an entry for this variant (Variation ID: 1429543). Experimental studies and prediction algorithms are not available or were not evaluated, and the functional significance of this variant is currently unknown. In summary, the available evidence is currently insufficient to determine the role of this variant in disease. Therefore, it has been classified as a Variant of Uncertain Significance.

PreventionGenetics, part of Exact Sciences
Classification: Uncertain significance for COL18A1-related condition. Last evaluated: 2024-08-27. Review status: no assertion criteria provided. Collection method: clinical testing. Allele origin: germline. Not counted in ClinVar's aggregate classification.
Comment: The COL18A1 c.3638G>A variant is predicted to result in the amino acid substitution p.Arg1213His. To our knowledge, this variant has not been reported in the literature. This variant is reported in 0.031% of alleles in individuals of Latino descent in gnomAD. At this time, the clinical significance of this variant is uncertain due to the absence of conclusive functional and genetic evidence.